The following is an entry in ClinVar:

ClinVar aggregate classification (germline): Uncertain significance (1 of 4 stars; one submission).

Submission:

Women's Health and Genetics/Laboratory Corporation of America, LabCorp
Classification: Uncertain significance. Last evaluated: 2022-11-21. Review status: criteria provided, single submitter. Criteria: LabCorp Variant Classification Summary - May 2015. Collection method: clinical testing. Allele origin: germline.
Comment: Variant summary: PGM1 c.170T>C (p.Leu57Pro) results in a non-conservative amino acid change located in the Alpha-D-phosphohexomutase, alpha/beta/alpha domain I (IPR005844) of the encoded protein sequence. Five of five in-silico tools predict a damaging effect of the variant on protein function. The variant was absent in 236406 control chromosomes. The available data on variant occurrences in the general population are insufficient to allow any conclusion about variant significance. To our knowledge, no occurrence of c.170T>C in individuals affected with PGM1-Congenital Disorder Of Glycosylation and no experimental evidence demonstrating its impact on protein function have been reported. No clinical diagnostic laboratories have submitted clinical-significance assessments for this variant to ClinVar after 2014. Based on the evidence outlined above, the variant was classified as uncertain significance.

NM_002633.3(PGM1):c.170T>C (p.Leu57Pro)

Genes: PGM1 (phosphoglucomutase 1; plus strand), LOC129930668 (ATAC-STARR-seq lymphoblastoid active region 1127; plus strand). Cytogenetic location: 1p31.3.
Variant type: single nucleotide variant.
Coding change: c.170T>C on transcript NM_002633.3 (MANE Select); coding-DNA position 170, T replaced by C.
Protein change: p.Leu57Pro; replaces leucine 57 with proline.
Molecular consequence: missense variant.
Genome position (GRCh38, 1-based): chr1:63,593,658, T>C. VCF-style: chr1-63593658-T-C. GRCh37 (hg19) VCF-style: chr1-64059329-T-C.
Other names: short protein forms L57P.
Identifiers: ClinVar variation 1804740 (VCV001804740.1), dbSNP rs1162628832, ClinGen allele CA340639252.